The following is an entry in ClinVar:

NM_000257.4(MYH7):c.-8G>T

Gene: MYH7 (myosin heavy chain 7; minus strand). Cytogenetic location: 14q11.2.
Variant type: single nucleotide variant.
Coding change: c.-8G>T on transcript NM_000257.4 (MANE Select); 8 bases upstream of the start codon, G replaced by T.
Molecular consequence: 5 prime UTR variant.
Genome position (GRCh38, 1-based): chr14:23,433,740, C>A on the plus strand (G>T on the coding strand, the complement: MYH7 is on the minus strand). VCF-style: chr14-23433740-C-A. GRCh37 (hg19) VCF-style: chr14-23902949-C-A.
Other names: c.-8G>T (NM_001407004.1).
Identifiers: ClinVar variation 2773977 (VCV002773977.2), dbSNP rs45556042, ClinGen allele CA2697553812.

ClinVar aggregate classification (germline): Uncertain significance (1 of 4 stars; one submission).

Conditions:
Cardiomyopathy (CMYO). Also called: Cardiomyopathies. Identifiers: Orphanet 167848, MedGen C0878544, MONDO:0004994, HP:0001638. Inheritance: Various modes of inheritance.

Submission:

Color Diagnostics, LLC DBA Color Health
Classification: Uncertain significance for Cardiomyopathy. Last evaluated: 2023-05-23. Review status: criteria provided, single submitter. Criteria: ACMG Guidelines, 2015. Collection method: clinical testing. Allele origin: germline.
Comment: This variant is located in the 5' untranslated region of the gene. To our knowledge, functional studies have not been reported for this variant. This variant has not been reported in individuals affected with MYH7-related disorders in the literature. This variant has not been identified in the general population by the Genome Aggregation Database (gnomAD). The available evidence is insufficient to determine the role of this variant in disease conclusively. Therefore, this variant is classified as a Variant of Uncertain Significance.